The following is an entry in ClinVar:

ClinVar aggregate classification (germline): Pathogenic. Review status: criteria provided, multiple submitters, no conflicts (2 of 4 stars). 2 submissions from 2 submitters: Pathogenic (2). Last evaluated 2024-12-26.

Conditions:
Deficiency of aromatic-L-amino-acid decarboxylase. Also called: Aromatic L-Amino Acid Decarboxylase Deficiency; Aromatic amino acid decarboxylase deficiency; AADC DEFICIENCY; DDC DEFICIENCY; DOPA DECARBOXYLASE DEFICIENCY. Identifiers: Orphanet 35708, MedGen C1291564, MONDO:0012084, OMIM 608643.

Submissions (2):

Labcorp Genetics (formerly Invitae), Labcorp
Classification: Pathogenic for Deficiency of aromatic-L-amino-acid decarboxylase. Last evaluated: 2024-12-26. Review status: criteria provided, single submitter. Criteria: Invitae Variant Classification Sherloc (09022015). Collection method: clinical testing. Allele origin: germline.
Comment: This sequence change results in a frameshift in the DDC gene (p.Ile433Asnfs*60). While this is not anticipated to result in nonsense mediated decay, it is expected to disrupt the last 48 amino acid(s) of the DDC protein and extend the protein by 11 additional amino acid residues. This variant is present in population databases (rs760629324, gnomAD 0.02%). This frameshift has been observed in individuals with aromatic L-amino acid decarboxylase deficiency (PMID: 18567514, 28556607, 31975548). ClinVar contains an entry for this variant (Variation ID: 1068763). For these reasons, this variant has been classified as Pathogenic.

Fulgent Genetics
Classification: Pathogenic for Deficiency of aromatic-L-amino-acid decarboxylase. Last evaluated: 2024-04-20. Review status: criteria provided, single submitter. Criteria: ACMG Guidelines, 2015. Collection method: clinical testing. Allele origin: germline.

Literature cited by the submitters: PubMed 18567514 (cited by Labcorp Genetics (formerly Invitae), Labcorp); PubMed 28556607 (cited by Labcorp Genetics (formerly Invitae), Labcorp); PubMed 31975548 (cited by Labcorp Genetics (formerly Invitae), Labcorp).

NM_001082971.2(DDC):c.1297dup (p.Ile433fs)

Gene: DDC (dopa decarboxylase; minus strand). Cytogenetic location: 7p12.2.
Variant type: Duplication.
Coding change: c.1297dup on transcript NM_001082971.2 (MANE Select); coding-DNA position 1297, one base duplicated (A; older notation c.1297dupA).
Protein change: p.Ile433fs; shifts the reading frame from isoleucine 433.
Molecular consequence: frameshift variant.
Genome position (GRCh38, 1-based): chr7:50,463,377, T duplicated on the plus strand (A on the coding strand, the reverse complement: DDC is on the minus strand); the first of 7 consecutive T bases (chr7:50,463,377-50,463,383); duplicating any one gives the same sequence. VCF-style (leftmost placement, unchanged base first): chr7-50463376-A-AT. GRCh37 (hg19) VCF-style: chr7-50531074-A-AT.
Other names: c.1297dup, p.Ile433fs (NM_000790.4); c.1183dup, p.Ile395fs (NM_001242886.2); c.1153dup, p.Ile385fs (NM_001242887.2); c.1063dup, p.Ile355fs (NM_001242888.2); c.1018dup, p.Ile340fs (NM_001242889.2); short protein forms I340fs, I355fs, I385fs, I395fs, I433fs.
Identifiers: ClinVar variation 1068763 (VCV001068763.10), dbSNP rs760629324, ClinGen allele CA4261995.